The following is an entry in ClinVar:

ClinVar aggregate classification (germline): Uncertain significance (1 of 4 stars; one submission).

Allele frequency attached by ClinVar (database versions not stated): ExAC 0.00001; gnomAD 0.00001; gnomAD exomes 0.00001; 1000 Genomes Project 30x 0.00031; 1000 Genomes Project 0.00040.
gnomAD v4.1: 4 of 1,614,170 alleles (0.00025%); highest among the groups gnomAD compares: African/African-American, 0.0027%; no homozygotes.

Submission:

Labcorp Genetics (formerly Invitae), Labcorp
Classification: Uncertain significance. Last evaluated: 2023-08-17. Review status: criteria provided, single submitter. Criteria: Invitae Variant Classification Sherloc (09022015). Collection method: clinical testing. Allele origin: germline.
Comment: ClinVar contains an entry for this variant (Variation ID: 1356831). Advanced modeling of protein sequence and biophysical properties (such as structural, functional, and spatial information, amino acid conservation, physicochemical variation, residue mobility, and thermodynamic stability) performed at Invitae indicates that this missense variant is not expected to disrupt MYO5B protein function. In summary, the available evidence is currently insufficient to determine the role of this variant in disease. Therefore, it has been classified as a Variant of Uncertain Significance. This variant has not been reported in the literature in individuals affected with MYO5B-related conditions. This variant is present in population databases (rs562769688, gnomAD 0.01%). This sequence change replaces alanine, which is neutral and non-polar, with serine, which is neutral and polar, at codon 1047 of the MYO5B protein (p.Ala1047Ser).

NM_001080467.3(MYO5B):c.3139G>T (p.Ala1047Ser)

Gene: MYO5B (myosin VB; minus strand). Cytogenetic location: 18q21.1.
Variant type: single nucleotide variant.
Coding change: c.3139G>T on transcript NM_001080467.3 (MANE Select); coding-DNA position 3139, G replaced by T.
Protein change: p.Ala1047Ser; replaces alanine 1047 with serine.
Molecular consequence: missense variant.
Genome position (GRCh38, 1-based): chr18:49,879,082, C>A on the plus strand (G>T on the coding strand, the complement: MYO5B is on the minus strand). VCF-style: chr18-49879082-C-A. GRCh37 (hg19) VCF-style: chr18-47405452-C-A.
Other names: short protein forms A1047S.
Identifiers: ClinVar variation 1356831 (VCV001356831.6), dbSNP rs562769688, ClinGen allele CA8960821.